The following is an entry in ClinVar:

NM_000501.4(ELN):c.1238G>C (p.Gly413Ala)

Gene: ELN (elastin; plus strand). Cytogenetic location: 7q11.23.
Variant type: single nucleotide variant.
Coding change: c.1238G>C on transcript NM_000501.4 (MANE Select); coding-DNA position 1238, G replaced by C.
Protein change: p.Gly413Ala; replaces glycine 413 with alanine.
Molecular consequence: missense variant. On other transcripts: splice donor variant (2).
Genome position (GRCh38, 1-based): chr7:74,056,358, G>C. VCF-style: chr7-74056358-G-C. GRCh37 (hg19) VCF-style: chr7-73470688-G-C.
Other names: c.1208G>C, p.Gly403Ala (NM_001081752.3, NM_001278917.2); c.1253G>C, p.Gly418Ala (NM_001081753.3, NM_001081754.3); c.1238G>C, p.Gly413Ala (NM_001081755.3, NM_001278912.2, NM_001278915.2 and 1 more transcripts); c.1223G>C, p.Gly408Ala (NM_001278914.2); c.1196G>C, p.Gly399Ala (NM_001278916.2); c.1129+1G>C (NM_001278913.2); c.1105+1G>C (NM_001278918.2); short protein forms G403A, G413A, G418A, G399A, G408A.
Identifiers: ClinVar variation 2169753 (VCV002169753.4), dbSNP rs1554679752, ClinGen allele CA367881745.

ClinVar aggregate classification (germline): Uncertain significance (1 of 4 stars; one submission).

Conditions:
Supravalvar aortic stenosis (SVAS). Also called: Supravalvar aortic stenosis, Eisenberg type. Identifiers: Orphanet 3193, MedGen C0003499, MONDO:0008504, OMIM 185500, HP:0004381.

Submission:

Labcorp Genetics (formerly Invitae), Labcorp
Classification: Uncertain significance for Supravalvar aortic stenosis. Last evaluated: 2022-05-25. Review status: criteria provided, single submitter. Criteria: Invitae Variant Classification Sherloc (09022015). Collection method: clinical testing. Allele origin: germline.
Comment: In summary, the available evidence is currently insufficient to determine the role of this variant in disease. Therefore, it has been classified as a Variant of Uncertain Significance. Algorithms developed to predict the effect of missense changes on protein structure and function are either unavailable or do not agree on the potential impact of this missense change (SIFT: "Tolerated"; PolyPhen-2: "Not Available"; Align-GVGD: "Class C0"). This variant has not been reported in the literature in individuals affected with ELN-related conditions. This variant is present in population databases (no rsID available, gnomAD 0.0009%). This sequence change replaces glycine, which is neutral and non-polar, with alanine, which is neutral and non-polar, at codon 413 of the ELN protein (p.Gly413Ala).